The following is an entry in ClinVar:

ClinVar aggregate classification (germline): Pathogenic. Review status: criteria provided, multiple submitters, no conflicts (2 of 4 stars). 4 submissions from 4 submitters: Pathogenic (4). Last evaluated 2024-11-28.

Conditions:
TCF12-related disorder. Also called: TCF12-related condition.

Allele frequency attached by ClinVar (database versions not stated): gnomAD exomes below 0.00001.

Submissions (4):

PreventionGenetics, part of Exact Sciences
Classification: Pathogenic for TCF12-related condition. Last evaluated: 2024-11-28. Review status: criteria provided, single submitter. Criteria: ACMG Guidelines, 2015. Collection method: clinical testing. Allele origin: germline.
Comment: The TCF12 c.1836dupA variant is predicted to result in a frameshift and premature protein termination (p.Arg613Thrfs*6). This variant has been reported de novo in an individual with craniosynostosis (Goumenos et al. 2019. PubMed ID: 30858722). This variant is reported in 0.0054% of alleles in individuals of East Asian descent in gnomAD. Frameshift variants in TCF12 are expected to be pathogenic. This variant is interpreted as pathogenic.

Blueprint Genetics
Classification: Pathogenic for TCF12-related disorders. Last evaluated: 2024-05-07. Review status: criteria provided, single submitter. Criteria: ACMG Guidelines, 2015. Collection method: clinical testing. Allele origin: de novo. Affected: yes. Observed: 2 variant alleles.

Labcorp Genetics (formerly Invitae), Labcorp
Classification: Pathogenic. Last evaluated: 2024-02-24. Review status: criteria provided, single submitter. Criteria: Invitae Variant Classification Sherloc (09022015). Collection method: clinical testing. Allele origin: germline.
Comment: This sequence change creates a premature translational stop signal (p.Arg613Thrfs*6) in the TCF12 gene. It is expected to result in an absent or disrupted protein product. Loss-of-function variants in TCF12 are known to be pathogenic (PMID: 23354436, 32620954). This variant is present in population databases (no rsID available, gnomAD 0.006%). This premature translational stop signal has been observed in individual(s) with TCF12-related conditions (PMID: 30858722). ClinVar contains an entry for this variant (Variation ID: 1447552). For these reasons, this variant has been classified as Pathogenic.

GeneDx
Classification: Pathogenic. Last evaluated: 2024-01-29. Review status: criteria provided, single submitter. Criteria: GeneDx Variant Classification Process June 2021. Collection method: clinical testing. Allele origin: germline. Affected: yes.
Comment: Frameshift variant predicted to result in protein truncation or nonsense mediated decay in a gene for which loss-of-function is a known mechanism of disease; Not observed at significant frequency in large population cohorts (gnomAD); This variant is associated with the following publications: (PMID: 30858722)

Literature cited by the submitters: PubMed 23354436 (cited by Labcorp Genetics (formerly Invitae), Labcorp); PubMed 32620954 (cited by Labcorp Genetics (formerly Invitae), Labcorp); PubMed 30858722 (cited by Labcorp Genetics (formerly Invitae), Labcorp).

NM_207037.2(TCF12):c.1836dup (p.Arg613fs)

Gene: TCF12 (transcription factor 12; plus strand). Cytogenetic location: 15q21.3.
Variant type: Duplication.
Coding change: c.1836dup on transcript NM_207037.2 (MANE Select); coding-DNA position 1836, one base duplicated (A; older notation c.1836dupA).
Protein change: p.Arg613fs; shifts the reading frame from arginine 613.
Molecular consequence: frameshift variant.
Genome position (GRCh38, 1-based): chr15:57,273,120, A duplicated. VCF-style (leftmost placement, unchanged base first): chr15-57273119-T-TA. GRCh37 (hg19) VCF-style: chr15-57565317-T-TA.
Other names: c.1836dup (NM_207036.1); c.1764dup, p.Arg589fs (NM_207038.2, NM_001322157.3, NM_001322165.2 and 1 more transcripts); c.1254dup, p.Arg419fs (NM_207040.2); c.1326dup, p.Arg443fs (NM_001306219.3); c.1056dup, p.Arg353fs (NM_001306220.3); c.1836dup, p.Arg613fs (NM_001322151.2, NM_001322159.3, NM_001322162.2 and 1 more transcripts); c.1833dup, p.Arg612fs (NM_001322152.2, NM_001322161.2); c.1179dup, p.Arg394fs (NM_001322154.2); and 4 more; short protein forms R394fs, R601fs, R613fs, R612fs, R419fs, R443fs, R589fs, R353fs.
Identifiers: ClinVar variation 1447552 (VCV001447552.9), dbSNP rs1359357677, ClinGen allele CA618505636.
Genomic context (GRCh38, chr15:57,273,119, plus strand): 5'-CTGAACAGAAGATAGAAAGGGAGAAGGAGAGGCGGATGGCTAACAATGCCAGAGAACGCT[T>TA]ACGCGTGCGGGATATTAATGAAGCATTCAAAGAGCTTGGCCGAATGTGTCAGCTTCACTT-3'